The following is an entry in ClinVar:

NM_016604.4(KDM3B):c.1177C>T (p.Pro393Ser)

Gene: KDM3B (lysine demethylase 3B; plus strand). Cytogenetic location: 5q31.2.
Variant type: single nucleotide variant.
Coding change: c.1177C>T on transcript NM_016604.4 (MANE Select); coding-DNA position 1177, C replaced by T.
Protein change: p.Pro393Ser; replaces proline 393 with serine.
Molecular consequence: missense variant.
Genome position (GRCh38, 1-based): chr5:138,386,418, C>T. VCF-style: chr5-138386418-C-T. GRCh37 (hg19) VCF-style: chr5-137722107-C-T.
Other names: short protein forms P393S.
Identifiers: ClinVar variation 3032134 (VCV003032134.3), dbSNP rs201414691, ClinGen allele CA3428860.

ClinVar aggregate classification (germline): Likely benign. Review status: criteria provided, single submitter (1 of 4 stars). 2 submissions from 2 submitters: Likely benign (1). 1 of the submissions does not count toward it. Last evaluated 2025-05-20.

Conditions:
Inborn genetic diseases. Identifiers: MedGen C0950123, MeSH D030342.
KDM3B-related disorder. Also called: KDM3B-related condition.

Allele frequency attached by ClinVar (database versions not stated): TOPMed 0.00009; gnomAD exomes 0.00007; 1000 Genomes Project 0.00020; 1000 Genomes Project 30x 0.00031; gnomAD 0.00002; ExAC 0.00012.
gnomAD v4.1: 47 of 1,614,218 alleles (0.0029%); highest among the groups gnomAD compares: Admixed American, 0.078%; no homozygotes.

Submissions (2):

Ambry Genetics
Classification: Likely benign for Inborn genetic diseases. Last evaluated: 2025-05-20. Review status: criteria provided, single submitter. Criteria: Ambry Variant Classification Scheme 2023. Collection method: clinical testing. Allele origin: germline.

PreventionGenetics, part of Exact Sciences
Classification: Likely benign for KDM3B-related condition. Last evaluated: 2024-02-20. Review status: no assertion criteria provided. Collection method: clinical testing. Allele origin: germline. Not counted in ClinVar's aggregate classification.
Comment: This variant is classified as likely benign based on ACMG/AMP sequence variant interpretation guidelines (Richards et al. 2015 PMID: 25741868, with internal and published modifications).